The following is an entry in ClinVar:

NM_003680.4(YARS1):c.511-10C>T

Gene: YARS1 (tyrosyl-tRNA synthetase 1; minus strand). Cytogenetic location: 1p35.1.
Variant type: single nucleotide variant.
Coding change: c.511-10C>T on transcript NM_003680.4 (MANE Select); 10 bases into the intron before coding-DNA position 511, C replaced by T.
Molecular consequence: intron variant.
Genome position (GRCh38, 1-based): chr1:32,797,853, G>A on the plus strand (C>T on the coding strand, the complement: YARS1 is on the minus strand). VCF-style: chr1-32797853-G-A. GRCh37 (hg19) VCF-style: chr1-33263454-G-A.
Identifiers: ClinVar variation 705316 (VCV000705316.12), dbSNP rs376935793, ClinGen allele CA745173.
Genomic context (GRCh38, chr1:32,797,853, plus strand): 5'-ATCAATGCCTCCAAATTGGGCATCTACTTTTAAATACTCTTCATCCAAAGCCTGTGGAAA[G>A]AAACACATGAACATAAACATCTACTTTATTTTTTTGAGACAGAGTCTCGCTCTGTCGCCC-3'

ClinVar aggregate classification (germline): Likely benign. Review status: criteria provided, multiple submitters, no conflicts (2 of 4 stars). 3 submissions from 3 submitters: Likely benign (3). Last evaluated 2026-01-07.

Conditions:
YARS1-related disorder. Also called: YARS1-related condition.
Charcot-Marie-Tooth disease dominant intermediate C (CMTDIC). Also called: CHARCOT-MARIE-TOOTH NEUROPATHY, DOMINANT INTERMEDIATE C. Identifiers: Orphanet 100045, MedGen C1842237, MONDO:0012012, OMIM 608323.

Allele frequency attached by ClinVar (database versions not stated): gnomAD exomes 0.00002 and 0.00005; ExAC 0.00003; gnomAD 0.00003; TOPMed 0.00005; ESP Exome Variant Server 0.00008.
gnomAD v4.1: 80 of 1,610,480 alleles (0.005%); highest among the groups gnomAD compares: Non-Finnish European, 0.0063%; 1 homozygote.

Submissions (3):

PreventionGenetics, part of Exact Sciences
Classification: Likely benign for YARS1-related condition. Last evaluated: 2026-01-07. Review status: criteria provided, single submitter. Criteria: ACMG Guidelines, 2015. Collection method: clinical testing. Allele origin: germline.
Comment: This variant is classified as likely benign based on ACMG/AMP sequence variant interpretation guidelines (Richards et al. 2015 PMID: 25741868, with internal and published modifications).

Labcorp Genetics (formerly Invitae), Labcorp
Classification: Likely benign for Charcot-Marie-Tooth disease dominant intermediate C. Last evaluated: 2024-09-26. Review status: criteria provided, single submitter. Criteria: Invitae Variant Classification Sherloc (09022015). Collection method: clinical testing. Allele origin: germline.

Blueprint Genetics
Classification: Likely benign. Last evaluated: 2023-08-22. Review status: criteria provided, single submitter. Criteria: ACMG Guidelines, 2015. Collection method: clinical testing. Allele origin: germline.